The following is an entry in ClinVar:

NM_001845.6(COL4A1):c.4136C>T (p.Pro1379Leu)

Gene: COL4A1 (collagen type IV alpha 1 chain; minus strand). Cytogenetic location: 13q34.
Variant type: single nucleotide variant.
Coding change: c.4136C>T on transcript NM_001845.6 (MANE Select); coding-DNA position 4136, C replaced by T.
Protein change: p.Pro1379Leu; replaces proline 1379 with leucine.
Molecular consequence: missense variant.
Genome position (GRCh38, 1-based): chr13:110,164,876, G>A on the plus strand (C>T on the coding strand, the complement: COL4A1 is on the minus strand). VCF-style: chr13-110164876-G-A. GRCh37 (hg19) VCF-style: chr13-110817223-G-A.
Other names: short protein forms P1379L.
Identifiers: ClinVar variation 2190909 (VCV002190909.4), dbSNP rs756504768, ClinGen allele CA388659972.

ClinVar aggregate classification (germline): Uncertain significance (1 of 4 stars; one submission).

Allele frequency attached by ClinVar (database versions not stated): gnomAD exomes 0.00001; TOPMed 0.00001.
gnomAD v4.1: 7 of 1,611,406 alleles (0.00043%); highest among the groups gnomAD compares: East Asian, 0.0045%; no homozygotes.

Submission:

Labcorp Genetics (formerly Invitae), Labcorp
Classification: Uncertain significance. Last evaluated: 2023-04-01. Review status: criteria provided, single submitter. Criteria: Invitae Variant Classification Sherloc (09022015). Collection method: clinical testing. Allele origin: germline.
Comment: In summary, the available evidence is currently insufficient to determine the role of this variant in disease. Therefore, it has been classified as a Variant of Uncertain Significance. An algorithm developed to predict the effect of missense changes on protein structure and function (PolyPhen-2) suggests that this variant is likely to be tolerated. ClinVar contains an entry for this variant (Variation ID: 2190909). This variant has not been reported in the literature in individuals affected with COL4A1-related conditions. The frequency data for this variant in the population databases is considered unreliable, as metrics indicate poor data quality at this position in the gnomAD database. This sequence change replaces proline, which is neutral and non-polar, with leucine, which is neutral and non-polar, at codon 1379 of the COL4A1 protein (p.Pro1379Leu).